The following is an entry in ClinVar:

NM_005236.3(ERCC4):c.1346T>C (p.Val449Ala)

Gene: ERCC4 (ERCC excision repair 4, endonuclease catalytic subunit; plus strand). Cytogenetic location: 16p13.12.
Variant type: single nucleotide variant.
Coding change: c.1346T>C on transcript NM_005236.3 (MANE Select); coding-DNA position 1346, T replaced by C.
Protein change: p.Val449Ala; replaces valine 449 with alanine.
Molecular consequence: missense variant.
Genome position (GRCh38, 1-based): chr16:13,935,278, T>C. VCF-style: chr16-13935278-T-C. GRCh37 (hg19) VCF-style: chr16-14029135-T-C.
Other names: short protein forms V449A.
Identifiers: ClinVar variation 2081423 (VCV002081423.4), dbSNP rs1387660737, ClinGen allele CA394809812.

ClinVar aggregate classification (germline): Uncertain significance (1 of 4 stars; one submission).

Conditions:
Xeroderma pigmentosum, group F (XPF). Also called: XERODERMA PIGMENTOSUM, COMPLEMENTATION GROUP F; XERODERMA PIGMENTOSUM VI; XP, GROUP F; ERCC4-Related Xeroderma Pigmentosum; XERODERMA PIGMENTOSUM, TYPE F; Xeroderma pigmentosum, type 6. Identifiers: MedGen C0268140, MONDO:0010215, OMIM 278760.
Cockayne syndrome. Identifiers: Orphanet 191, MedGen C0009207, MONDO:0016006.
Fanconi anemia complementation group Q. Identifiers: Orphanet 84, MedGen C3808988, MONDO:0014108, OMIM 615272.

Allele frequency attached by ClinVar (database versions not stated): TOPMed below 0.00001; gnomAD 0.00003.
gnomAD v4.1: 5 of 1,613,820 alleles (0.00031%); highest among the groups gnomAD compares: African/African-American, 0.0067%; no homozygotes.

Submission:

Labcorp Genetics (formerly Invitae), Labcorp
Classification: Uncertain significance for Fanconi anemia complementation group Q; Xeroderma pigmentosum, group F; Cockayne syndrome. Last evaluated: 2022-03-25. Review status: criteria provided, single submitter. Criteria: Invitae Variant Classification Sherloc (09022015). Collection method: clinical testing. Allele origin: germline.
Comment: In summary, the available evidence is currently insufficient to determine the role of this variant in disease. Therefore, it has been classified as a Variant of Uncertain Significance. Algorithms developed to predict the effect of missense changes on protein structure and function (SIFT, PolyPhen-2, Align-GVGD) all suggest that this variant is likely to be tolerated. This variant has not been reported in the literature in individuals affected with ERCC4-related conditions. This variant is present in population databases (no rsID available, gnomAD 0.01%). This sequence change replaces valine, which is neutral and non-polar, with alanine, which is neutral and non-polar, at codon 449 of the ERCC4 protein (p.Val449Ala).